The following is an entry in ClinVar:

ClinVar aggregate classification (germline): Likely pathogenic. Review status: reviewed by expert panel (3 of 4 stars). 31 submissions from 31 submitters: Likely pathogenic (1). 30 of the submissions do not count toward it. Last evaluated 2025-11-14.

Conditions:
Cardiovascular phenotype. Identifiers: MedGen CN230736.
TNNI3-related disorder. Also called: TNNI3-related disorders; TNNI3-related condition.
Cardiomyopathy, familial restrictive, 1. Identifiers: Orphanet 75249, MedGen C1861861, MONDO:0007270, OMIM 115210.
Hypertrophic cardiomyopathy 7. Also called: CARDIOMYOPATHY, FAMILIAL HYPERTROPHIC, 7, MODIFIER OF; Familial hypertrophic cardiomyopathy 7; TNNI3-Related Familial Hypertrophic Cardiomyopathy. Identifiers: MedGen C1860752, MONDO:0013369, OMIM 613690.
Dilated cardiomyopathy 2A (CMD2A). Also called: CARDIOMYOPATHY, CONGESTIVE, AUTOSOMAL RECESSIVE; CARDIOMYOPATHY, DILATED, AUTOSOMAL RECESSIVE. Identifiers: Orphanet 154, MedGen C2678474, MONDO:0012746, OMIM 611880.
Dilated cardiomyopathy 1FF (CMD1FF). Identifiers: Orphanet 154, MedGen C2750091, MONDO:0013211, OMIM 613286.
Cardiomyopathy (CMYO). Also called: Cardiomyopathies. Identifiers: Orphanet 167848, MedGen C0878544, MONDO:0004994, HP:0001638. Inheritance: Various modes of inheritance.
Primary familial hypertrophic cardiomyopathy (HCM). Identifiers: Orphanet 99739, MedGen C0949658, MeSH D024741, MONDO:0024573. Inheritance: Various modes of inheritance.
Hypertrophic cardiomyopathy. Also called: HYPERTROPHIC MYOCARDIOPATHY. Identifiers: Orphanet 217569, MedGen C0007194, MeSH D002312, MONDO:0005045, HP:0001639.

Allele frequency attached by ClinVar (database versions not stated): gnomAD 0.00001; ExAC 0.00002; gnomAD exomes 0.00003 and 0.00004; TOPMed 0.00001.

Submissions 1 to 6 of 31:

ClinGen Cardiomyopathy Variant Curation Expert Panel
Classification: Likely pathogenic for Hypertrophic cardiomyopathy. Last evaluated: 2025-11-14. Review status: reviewed by expert panel. Criteria: ClinGen CMP ACMG Specifications TNNI3 V1.0.0. Collection method: curation. Allele origin: germline. Inheritance: Autosomal dominant inheritance.
Comment: The NM_000363.5(TNNI3):c.485G>A (p.Arg162Gln). This variant has been reported in individuals with HCM and other cardiomyopathies (Laboratory for Molecular Medicine (LMM) data, Oxford Medical Genomics Laboratory (OMGL) data, Sen-Chowdhry 2016 PMID 27681577, Mouton 2015 PMID 25940119, Ramachandran 2013 PMID 23967088, Rani 2012 PMID 22876777, Gruner 2011 PMID 21511876, Bos 2006 PMID 16352453, Ingles 2005 PMID 16199542, Cheng 2005 PMID 15992656, Doolan 2005 PMID 15698845, Mogensen 2004 PMID 15607392, Van Driest 2003 PMID 12860912) and has also been identified in 6 out of 113172 (0.09% FAF 95% CI) of European chromosomes in gnomAD (v.2.1). The variant is statistically increased in individuals with HCM compared to controls (OR, lower 95% CI>10), therefore, the PS4 criterion has been applied at moderate strength (PS4_Moderate) and the PM2_Supporting criterion has not been applied. In one of the individuals with HCM, the variant was identified in the homozygous state, and at least 2 individuals carried a second MYH7 variant that is classified as pathogenic by this expert panel (p.Arg1712Gln, Gruner 2011 PMID 21511876; LMM pers. comm.). This variant also segregated with HCM in at least 7 affected relatives from at least 2 families (PP1_Strong; Mogensen 2004 PMID 15607392; LMM pers. comm.). However, this variant was also present in several unaffected relatives, many of whom were older than 50, suggesting reduced penetrance or a milder role (Mogensen 2004 PMID 15607392, LMM data). This variant lies in a region of the protein where variants are statistically more likely to be disease-associated (PM1; Walsh 2019 PMID:30696458). In vitro functional studies provide some evidence that this variant could impact protein function (Doolan 2005 PMID: 15698845); however, this data is currently insufficient to establish functional impact and apply PS3. Additionally, computational prediction tools and conservation analysis suggest that this variant may not impact the protein (BP4; REVEL score <0.4). In summary, this variant meets criteria to be classified as likely pathogenic for hypertrophic cardiomyopathy in an autosomal dominant manner based on PS4_Moderate, PP1_Strong, PM1, and BP4.

Labcorp Genetics (formerly Invitae), Labcorp
Classification: Pathogenic for Hypertrophic cardiomyopathy. Last evaluated: 2026-01-19. Review status: criteria provided, single submitter. Criteria: Invitae Variant Classification Sherloc (09022015). Collection method: clinical testing. Allele origin: germline. Not counted in ClinVar's aggregate classification.
Comment: This sequence change replaces arginine, which is basic and polar, with glutamine, which is neutral and polar, at codon 162 of the TNNI3 protein (p.Arg162Gln). This variant is present in population databases (rs397516354, gnomAD 0.006%). This missense change has been observed in individuals with autosomal dominant hypertrophic cardiomyopathy (PMID: 12860912, 15607392, 15698845, 15992656, 16352453, 22876777). It has also been observed to segregate with disease in related individuals. ClinVar contains an entry for this variant (Variation ID: 43389). An algorithm developed to predict the effect of missense changes on protein structure and function (PolyPhen-2) suggests that this variant is likely to be tolerated. Experimental studies have shown that this missense change affects TNNI3 function (PMID: 15698845). For these reasons, this variant has been classified as Pathogenic.

3billion
Classification: Pathogenic for Hypertrophic cardiomyopathy 7. Last evaluated: 2025-09-15. Review status: criteria provided, single submitter. Criteria: ACMG Guidelines, 2015. Collection method: clinical testing. Allele origin: germline. Affected: yes. Not counted in ClinVar's aggregate classification.
Comment: The variant is observed at an extremely low frequency in the gnomAD v4.1.0 dataset (total allele frequency: 0.003%). Predicted Consequence/Location: Missense variant In silico tool predictions suggest damaging effect of the variant on gene or gene product [3Cnet: 0.99 (> 0.75, sensitivity 0.96 and precision 0.92)]. The same nucleotide change resulting in the same amino acid change has been previously reported as pathogenic/likely pathogenic with strong evidence (ClinVar ID: VCV000043389 /PMID: 12860912 /3billion dataset). The variant has been observed in at least two similarly affected unrelated individuals (PMID: 12860912, 15607392, 16352453). The variant has been reported to co-segregate with the disease in at least 7 similarly affected relatives/individuals in at least two unrelated families (PMID: 15607392, 22876777). Different missense changes at the same codon (p.Arg162Leu, p.Arg162Pro, p.Arg162Trp) have been reported as pathogenic/likely pathogenic with strong evidence (ClinVar ID: VCV000043390, VCV000161396, VCV000626844 /PMID: 12707239, 37652022, 9241277 /3billion dataset). Therefore, this variant is classified as Pathogenic according to the recommendation of ACMG/AMP guideline.

Color Diagnostics, LLC DBA Color Health
Classification: Likely pathogenic for Cardiomyopathy. Last evaluated: 2025-08-25. Review status: criteria provided, single submitter. Criteria: ACMG Guidelines, 2015. Collection method: clinical testing. Allele origin: germline. Not counted in ClinVar's aggregate classification.
Comment: This missense variant replaces arginine with glutamine at codon 162 of the TNNI3 protein. Computational prediction suggests that this variant may not impact protein structure and function. A functional study has shown that this variant disrupts the interaction between TNNI3 and troponin C/T (PMID: 15698845). This variant has been reported in over 15 unrelated individuals affected with hypertrophic cardiomyopathy (PMID: 12860912, 15607392, 15698845, 15992656, 16352453, 25940119, 31877599, 33029862, 3349559, 33673806, 35470680, 36291626). This variant has been shown to segregate with hypertrophic cardiomyopathy in a family study (PMID: 22876777). This variant has also been reported in the homozygous state in an individual affected with severe, early-onset hypertrophic cardiomyopathy (PMID: 31877599). This individual's four relatives were asymptomatic heterozygous carriers. This variant has been identified in 10/249030 chromosomes in the general population by the Genome Aggregation Database (gnomAD). Different missense variants occurring at the same codon, p.Arg162Pro and p.Arg162Trp, are known to cause disease (ClinVar variation ID: 43390, 161396), indicating that arginine at this position is important for TNNI3 protein function. Based on the available evidence, this variant is classified as Likely Pathogenic.

Variantyx, Inc.
Classification: Likely pathogenic for Hypertrophic cardiomyopathy 7. Last evaluated: 2025-07-30. Review status: criteria provided, single submitter. Criteria: Variantyx Assertion Criteria 2022. Collection method: clinical testing. Allele origin: germline. Inheritance: Autosomal dominant inheritance. Affected: yes. Not counted in ClinVar's aggregate classification.
Comment: This is a nonsynonymous variant in the TNNI3 gene (OMIM: 191044). Pathogenic variants in this gene have been associated with autosomal dominant hypertrophic cardiomyopathy 7. This variant has been reported in multiple unrelated affected individuals (PMID: 12860912, 15698845, 21310275) (PS4_Moderate). Computational algorithms produce conflicting evidence regarding the predicted functional impact of this variant (REVEL score: 0.357), but functional studies have shown that this variant alters TNNI3 protein function (PMID: 15698845 ) (PS3). Moreover, an alternate amino acid change at this position (p.Arg162Pro) has been previously reported in similarly affected individuals, which suggests that this residue is biologically important (PMID: 12860912) (PM5). This variant has a 0.0033% maximum allele frequency in non-founder control populations (PM2). Based on the current evidence, this variant is classified as likely pathogenic for autosomal dominant hypertrophic cardiomyopathy 7.

North West Genomic Laboratory Hub, Manchester University NHS Foundation Trust
Classification: Likely pathogenic for Hypertrophic cardiomyopathy. Last evaluated: 2025-04-30. Review status: criteria provided, single submitter. Criteria: ACGS Best Practice Guidelines for Variant Classification in Rare Disease 2024. Collection method: clinical testing. Allele origin: germline. Affected: yes. Not counted in ClinVar's aggregate classification.
Comment: PM1_Mod PP1_Str PS4_Mod PS3_Supp

NM_000363.5(TNNI3):c.485G>A (p.Arg162Gln)

Gene: TNNI3 (troponin I3, cardiac type; minus strand). Cytogenetic location: 19q13.42.
Variant type: single nucleotide variant.
Coding change: c.485G>A on transcript NM_000363.5 (MANE Select); coding-DNA position 485, G replaced by A.
Protein change: p.Arg162Gln; replaces arginine 162 with glutamine.
Molecular consequence: missense variant.
Genome position (GRCh38, 1-based): chr19:55,154,094, C>T on the plus strand (G>A on the coding strand, the complement: TNNI3 is on the minus strand). VCF-style: chr19-55154094-C-T. GRCh37 (hg19) VCF-style: chr19-55665462-C-T.
Other names: p.R162Q:CGG>CAG; short protein forms R162Q.
Identifiers: ClinVar variation 43389 (VCV000043389.92), dbSNP rs397516354, ClinGen allele CA021744.
Genomic context (GRCh38, chr19:55,154,094, plus strand): 5'-TCGGTGTCCTCCTTCTTCACCTGCTTGAGGTGGGCCCGCAGGTCCAGGGACTCCTTAGCC[C>T]GGGCCCCCAGCAGCGCCTGCATCATGGCATCTGCAGAGATCCTCACTCTCCGCAGGGTGG-3'
Protein context (NP_000354.4, residues 152-172): DAMMQALLGA[Arg162Gln]AKESLDLRAH